The following is an entry in ClinVar:

ClinVar aggregate classification (germline): Uncertain significance (1 of 4 stars; one submission).

Conditions:
FLNC-related disorder. Also called: FLNC-related condition; FLNC-related disorders.

Submission:

PreventionGenetics, part of Exact Sciences
Classification: Uncertain significance for FLNC-related condition. Last evaluated: 2026-06-15. Review status: criteria provided, single submitter. Criteria: ACMG Guidelines, 2015. Collection method: clinical testing. Allele origin: germline.
Comment: The FLNC c.478A>G variant is predicted to result in the amino acid substitution p.Thr160Ala. To our knowledge, this variant has not been reported in the literature or in a large population database (gnomAD), indicating this variant is rare. At this time, the clinical significance of this variant is uncertain due to the absence of conclusive functional and genetic evidence.

NM_001458.5(FLNC):c.478A>G (p.Thr160Ala)

Gene: FLNC (filamin C; plus strand). Cytogenetic location: 7q32.1.
Variant type: single nucleotide variant.
Coding change: c.478A>G on transcript NM_001458.5 (MANE Select); coding-DNA position 478, A replaced by G.
Protein change: p.Thr160Ala; replaces threonine 160 with alanine.
Molecular consequence: missense variant.
Genome position (GRCh38, 1-based): chr7:128,835,451, A>G. VCF-style: chr7-128835451-A-G. GRCh37 (hg19) VCF-style: chr7-128475505-A-G.
Other names: c.478A>G, p.Thr160Ala (NM_001127487.2); short protein forms T160A.
Identifiers: ClinVar variation 4999979 (VCV004999979.1).